The following is an entry in ClinVar:

ClinVar aggregate classification (germline): Pathogenic (1 of 4 stars; one submission).

Conditions:
TH-deficient dopa-responsive dystonia. Also called: Segawa syndrome, autosomal recessive; Tyrosine Hydroxylase-Deficient Dopa-Responsive Dystonia; DYT-TH. Identifiers: Orphanet 101150, MedGen C2673535, MONDO:0011551, OMIM 605407.

Submission:

Myriad Genetics, Inc.
Classification: Pathogenic for TH-deficient dopa-responsive dystonia. Last evaluated: 2025-12-11. Review status: criteria provided, single submitter. Criteria: Myriad Autosomal Dominant, Autosomal Recessive and X-Linked Classification Criteria (2023). Collection method: clinical testing. Allele origin: unknown.
Comment: NM_199292.2(TH):c.1131delG(Q377Hfs*40) is expected to be pathogenic in the context of tyrosine hydroxylase deficiency. This variant is predicted to lead to an abnormal or absent protein product due to the creation of a premature termination codon in TH, a gene where loss-of-function variants are known to be pathogenic. Please note: this variant was assessed in the context of healthy population screening.

NM_000360.4(TH):c.1038del (p.Gln346fs)

Gene: TH (tyrosine hydroxylase; minus strand). Cytogenetic location: 11p15.5.
Variant type: Deletion.
Coding change: c.1038del on transcript NM_000360.4 (MANE Select); coding-DNA position 1038, one base deleted (G; older notation c.1038delG).
Protein change: p.Gln346fs; shifts the reading frame from glutamine 346.
Molecular consequence: frameshift variant.
Genome position (GRCh38, 1-based): chr11:2,166,489, C deleted on the plus strand (G on the coding strand, the reverse complement: TH is on the minus strand). VCF-style (leftmost placement, unchanged base first): chr11-2166488-AC-A. GRCh37 (hg19) VCF-style: chr11-2187718-AC-A.
Other names: c.1050del, p.Gln350fs (NM_001440535.1); c.768del, p.Gln256fs (NM_001440536.1); c.756del, p.Gln252fs (NM_001440537.1); c.1131del, p.Gln377fs (NM_199292.3); c.1119del, p.Gln373fs (NM_199293.3); short protein forms Q252fs, Q256fs, Q346fs, Q350fs, Q373fs, Q377fs.
Identifiers: ClinVar variation 5015304 (VCV005015304.1).
Genomic context (GRCh38, chr11:2,166,488, plus strand): 5'-GCGCCAAGCCAGCCCCTGGGTGACCCCGGCTCCCTCCGAGGCCGCGGCGTACCTGCGAGA[AC>A]TGCGCGAAGGTGCGGTCGGCCAGCATGGGCACGTGCCCCAGCAGCTCGTGGCAGCAGTCC-3'